The following is an entry in ClinVar:

NM_000059.4(BRCA2):c.3671G>A (p.Gly1224Asp)

Gene: BRCA2 (BRCA2 DNA repair associated; plus strand). Cytogenetic location: 13q13.1.
Variant type: single nucleotide variant.
Coding change: c.3671G>A on transcript NM_000059.4 (MANE Select); coding-DNA position 3671, G replaced by A.
Protein change: p.Gly1224Asp; replaces glycine 1224 with aspartic acid.
Molecular consequence: missense variant.
Genome position (GRCh38, 1-based): chr13:32,338,026, G>A. VCF-style: chr13-32338026-G-A. GRCh37 (hg19) VCF-style: chr13-32912163-G-A.
Other names: short protein forms G1224D.
Identifiers: ClinVar variation 958119 (VCV000958119.14), dbSNP rs587782670, ClinGen allele CA387777993.

ClinVar aggregate classification (germline): Conflicting classifications of pathogenicity. Review status: criteria provided, conflicting classifications (1 of 4 stars). 5 submissions from 5 submitters: Uncertain significance (4); Likely benign (1). Last evaluated 2025-06-20.

Conditions:
Hereditary cancer-predisposing syndrome. Also called: Tumor predisposition; Hereditary neoplastic syndrome; Neoplastic Syndromes, Hereditary; Hereditary Cancer Syndrome. Identifiers: Orphanet 140162, MedGen C0027672, MeSH D009386, MONDO:0015356.
Hereditary breast ovarian cancer syndrome. Also called: Hereditary breast and ovarian cancer; BRCA1- and BRCA2-Associated Hereditary Breast and Ovarian Cancer; Hereditary breast and/or ovarian cancer syndrome; Hereditary breast and ovarian cancer syndrome; Hereditary breast and ovarian cancer syndrome (HBOC); Breast and ovarian cancer. Identifiers: Orphanet 145, MedGen C0677776, MeSH D061325, MONDO:0003582. Disease mechanism: loss of function.

Allele frequency attached by ClinVar (database versions not stated): gnomAD exomes below 0.00001.
gnomAD v4.1: 1 of 1,612,146 alleles (0.000062%); highest among the groups gnomAD compares: Admixed American, 0.0017%; no homozygotes.

Submissions (5):

Women's Health and Genetics/Laboratory Corporation of America, LabCorp
Classification: Uncertain significance. Last evaluated: 2025-06-20. Review status: criteria provided, single submitter. Criteria: LabCorp Variant Classification Summary - May 2015. Collection method: clinical testing. Allele origin: germline.
Comment: Variant summary: BRCA2 c.3671G>A (p.Gly1224Asp) results in a non-conservative amino acid change in the encoded protein sequence. Algorithms developed to predict the effect of missense changes on protein structure and function all suggest that this variant is likely to be disruptive. The variant was absent in 249732 control chromosomes. The available data on variant occurrences in the general population are insufficient to allow any conclusion about variant significance. c.3671G>A has been observed in individual(s) affected with Hereditary Breast And Ovarian Cancer Syndrome (example, Ren_2021) without strong evidence for causality. These report(s) do not provide unequivocal conclusions about association of the variant with Hereditary Breast And Ovarian Cancer Syndrome. To our knowledge, no experimental evidence demonstrating an impact on protein function has been reported. The following publications have been ascertained in the context of this evaluation (PMID: 35392854, 34196900). ClinVar contains an entry for this variant (Variation ID: 958119). Based on the evidence outlined above, the variant was classified as uncertain significance.

Labcorp Genetics (formerly Invitae), Labcorp
Classification: Uncertain significance for Hereditary breast ovarian cancer syndrome. Last evaluated: 2024-04-29. Review status: criteria provided, single submitter. Criteria: Invitae Variant Classification Sherloc (09022015). Collection method: clinical testing. Allele origin: germline.
Comment: This sequence change replaces glycine, which is neutral and non-polar, with aspartic acid, which is acidic and polar, at codon 1224 of the BRCA2 protein (p.Gly1224Asp). This variant is not present in population databases (gnomAD no frequency). This missense change has been observed in individual(s) with clinical features of BRCA2-related conditions (PMID: 34196900). ClinVar contains an entry for this variant (Variation ID: 958119). Advanced modeling of protein sequence and biophysical properties (such as structural, functional, and spatial information, amino acid conservation, physicochemical variation, residue mobility, and thermodynamic stability) performed at Invitae indicates that this missense variant is not expected to disrupt BRCA2 protein function with a negative predictive value of 95%. In summary, the available evidence is currently insufficient to determine the role of this variant in disease. Therefore, it has been classified as a Variant of Uncertain Significance.

University of Washington Department of Laboratory Medicine, University of Washington
Classification: Likely benign for Hereditary cancer-predisposing syndrome. Last evaluated: 2023-03-23. Review status: criteria provided, single submitter. Criteria: Dines et al. (Genet Med. 2020). Collection method: curation. Allele origin: germline.
Comment: Missense variant in a coldspot region where missense variants are very unlikely to be pathogenic (PMID:31911673).

BRCA2 exon 11 coldspot. Reclassification based on statistical prior probability.

Quest Diagnostics Nichols Institute San Juan Capistrano
Classification: Uncertain significance. Last evaluated: 2021-05-08. Review status: criteria provided, single submitter. Criteria: Quest Diagnostics criteria. Collection method: clinical testing. Allele origin: unknown.

Ambry Genetics
Classification: Uncertain significance for Hereditary cancer-predisposing syndrome. Last evaluated: 2019-09-06. Review status: criteria provided, single submitter. Criteria: Ambry Variant Classification Scheme 2023. Collection method: clinical testing. Allele origin: germline.

Literature cited by the submitters: PubMed 34196900 (cited by Women's Health and Genetics/Laboratory Corporation of America, LabCorp and Labcorp Genetics (formerly Invitae), Labcorp); PubMed 35392854 (cited by Women's Health and Genetics/Laboratory Corporation of America, LabCorp).